The following is an entry in ClinVar:

NM_138386.3(NAF1):c.260C>T (p.Ala87Val)

Gene: NAF1 (nuclear assembly factor 1 ribonucleoprotein; minus strand). Cytogenetic location: 4q32.2.
Variant type: single nucleotide variant.
Coding change: c.260C>T on transcript NM_138386.3 (MANE Select); coding-DNA position 260, C replaced by T.
Protein change: p.Ala87Val; replaces alanine 87 with valine.
Molecular consequence: missense variant.
Genome position (GRCh38, 1-based): chr4:163,166,468, G>A on the plus strand (C>T on the coding strand, the complement: NAF1 is on the minus strand). VCF-style: chr4-163166468-G-A. GRCh37 (hg19) VCF-style: chr4-164087620-G-A.
Other names: c.260C>T (NM_138386.2); c.260C>T, p.Ala87Val (NM_001128931.2); short protein forms A87V.
Identifiers: ClinVar variation 2889095 (VCV002889095.4), dbSNP rs772306842, ClinGen allele CA3126440.

ClinVar aggregate classification (germline): Uncertain significance. Review status: criteria provided, multiple submitters, no conflicts (2 of 4 stars). 2 submissions from 2 submitters: Uncertain significance (2). Last evaluated 2024-10-29.

Allele frequency attached by ClinVar (database versions not stated): ExAC 0.00001; gnomAD 0.00001; gnomAD exomes 0.00001; TOPMed 0.00001.
gnomAD v4.1: 13 of 1,604,088 alleles (0.00081%); highest among the groups gnomAD compares: Non-Finnish European, 0.001%; no homozygotes.

Submissions (2):

Ambry Genetics
Classification: Uncertain significance. Last evaluated: 2024-10-29. Review status: criteria provided, single submitter. Criteria: Ambry Variant Classification Scheme 2023. Collection method: clinical testing. Allele origin: germline.

Labcorp Genetics (formerly Invitae), Labcorp
Classification: Uncertain significance. Last evaluated: 2023-08-17. Review status: criteria provided, single submitter. Criteria: Invitae Variant Classification Sherloc (09022015). Collection method: clinical testing. Allele origin: germline.
Comment: This sequence change replaces alanine, which is neutral and non-polar, with valine, which is neutral and non-polar, at codon 87 of the NAF1 protein (p.Ala87Val). This variant is not present in population databases (gnomAD no frequency). This variant has not been reported in the literature in individuals affected with NAF1-related conditions. An algorithm developed to predict the effect of missense changes on protein structure and function (PolyPhen-2) suggests that this variant is likely to be tolerated. In summary, the available evidence is currently insufficient to determine the role of this variant in disease. Therefore, it has been classified as a Variant of Uncertain Significance.